The following is an entry in ClinVar:

ClinVar aggregate classification (germline): Uncertain significance (1 of 4 stars; one submission).

Submission:

ISCA site 4
Classification: Uncertain significance. Last evaluated: 2011-08-12. Review status: criteria provided, single submitter. Criteria: Kaminsky et al. (Genet Med. 2011). Collection method: clinical testing. Allele origin: paternal. Affected: yes. Observed: 1 variant allele.
Comment: Copy number variation identified through the course of routine clinical cytogenomic testing in postnatal populations. Clinical assertions have been curated as described in Kaminsky et al. 2011.

GRCh38/hg38 5p15.31-15.2(chr5:9570494-10269457)x3

Genes: ATPSCKMT (ATP synthase c subunit lysine N-methyltransferase; minus strand), CCT5 (chaperonin containing TCP1 subunit 5; plus strand), LINC02112 (long intergenic non-protein coding RNA 2112; minus strand), LINC02221 (long intergenic non-protein coding RNA 2221; plus strand), TAS2R1 (taste 2 receptor member 1; minus strand) and 9 more. Cytogenetic location: 5p15.31-15.2.
Variant type: copy number gain.
Change: copy number 3 (three copies instead of two) of chr5:9,570,494-10,269,457 (699.0 kb, GRCh38 coordinates, 1-based), cytogenetic band 5p15.31-15.2.
Identifiers: ClinVar variation 57212 (VCV000057212.1).